The following is an entry in ClinVar:

ClinVar aggregate classification (germline): Pathogenic (1 of 4 stars; one submission).

Conditions:
Hereditary factor VIII deficiency disease (HEMA). Also called: AUTOSOMAL HEMOPHILIA A; Hemophilia A; Hemophilia A, congenital; HEM A; Factor 8 deficiency, congenital; HEMOPHILIA, CLASSIC. Identifiers: Orphanet 98878, MedGen C0019069, MONDO:0010602, OMIM 306700.

gnomAD v4.1: 1 of 1,211,225 alleles (0.000083%); highest among the groups gnomAD compares: Non-Finnish European, 0.00011%; no homozygotes.

Submission:

Myriad Genetics, Inc.
Classification: Pathogenic for Hereditary factor VIII deficiency disease. Last evaluated: 2024-07-17. Review status: criteria provided, single submitter. Criteria: Myriad Autosomal Dominant, Autosomal Recessive and X-Linked Classification Criteria (2023). Collection method: clinical testing. Allele origin: unknown.
Comment: NM_000132.3(F8):c.741G>A(W247*) is expected to be pathogenic in the context of hemophilia A. This variant is predicted to lead to an abnormal or absent protein product due to the creation of a premature termination codon in F8, a gene where loss-of-function variants are known to be pathogenic. Please note: this variant was assessed in the context of healthy population screening.

NM_000132.4(F8):c.741G>A (p.Trp247Ter)

Gene: F8 (coagulation factor VIII; minus strand). Cytogenetic location: Xq28.
Variant type: single nucleotide variant.
Coding change: c.741G>A on transcript NM_000132.4 (MANE Select); coding-DNA position 741, G replaced by A.
Protein change: p.Trp247Ter; replaces tryptophan 247 with a stop codon.
Molecular consequence: nonsense.
Genome position (GRCh38, 1-based): chrX:154,984,733, C>T on the plus strand (G>A on the coding strand, the complement: F8 is on the minus strand). VCF-style: chrX-154984733-C-T. GRCh37 (hg19) VCF-style: chrX-154213008-C-T.
Other names: short protein forms W247*.
Identifiers: ClinVar variation 5013331 (VCV005013331.1).
Genomic context (GRCh38, chrX:154,984,733, plus strand): 5'-AGGTGTGTACATACCTGGCAGAGACCTGTTTACATAACCATTGACTGTGTGCATTTTAGG[C>T]CAGGCCCGAGCAGATGCAGCATCCCTATCCTGCATCAAGGAGTTCTTTGTTTCTGAGTGC-3'